The following is an entry in ClinVar:

NM_001134673.4(NFIA):c.1311GCCACC[2] (p.Pro443_Pro444del)

Gene: NFIA (nuclear factor I A; plus strand). Cytogenetic location: 1p31.3.
Variant type: Microsatellite.
Coding change: c.1311GCCACC[2] on transcript NM_001134673.4 (MANE Select); two copies in a row of the 6-base unit GCCACC starting at c.1311; the reference has three copies in a row; one copy, 6 bases deleted.
Protein change: p.Pro443_Pro444del.
Molecular consequence: inframe deletion.
Genome position (GRCh38, 1-based): chr1:61,406,630-61,406,635, GCCACC deleted; deleting any 6 consecutive bases within chr1:61,406,618-61,406,635 gives the same sequence; the position shown is the placement nearest the transcript's 3' end. VCF-style (leftmost placement, unchanged base first): chr1-61406617-TGCCACC-T. GRCh37 (hg19) VCF-style: chr1-61872289-TGCCACC-T.
Other names: c.1287GCCACC[2], p.Pro435_Pro436del (NM_001145511.2); c.1446GCCACC[2], p.Pro488_Pro489del (NM_001145512.2); c.1311GCCACC[2], p.Pro443_Pro444del (NM_005595.5).
Identifiers: ClinVar variation 2662160 (VCV002662160.1), dbSNP rs752078495, ClinGen allele CA881272.

ClinVar aggregate classification (germline): Uncertain significance (1 of 4 stars; one submission).

Submission:

GeneDx
Classification: Uncertain significance. Last evaluated: 2023-04-17. Review status: criteria provided, single submitter. Criteria: GeneDx Variant Classification Process June 2021. Collection method: clinical testing. Allele origin: germline. Affected: yes.
Comment: In silico analysis supports that this variant does not alter protein structure/function; Has not been previously published as pathogenic or benign to our knowledge